The following is an entry in ClinVar:

ClinVar aggregate classification (germline): Benign. Review status: criteria provided, multiple submitters, no conflicts (2 of 4 stars). 7 submissions from 7 submitters: Benign (7). Last evaluated 2026-02-03.

Conditions:
Inborn genetic diseases. Identifiers: MedGen C0950123, MeSH D030342.
Developmental and epileptic encephalopathy, 25 (DEE25). Also called: Developmental and epileptic encephalopathy 25, with amelogenesis imperfecta; Epileptic encephalopathy, early infantile, 25, with amelogenesis imperfecta; Epileptic encephalopathy, early infantile, 25. Identifiers: Orphanet 442835, MedGen C4014621, MONDO:0014392, OMIM 615905.

Allele frequency attached by ClinVar (database versions not stated): 1000 Genomes Project 0.03674; 1000 Genomes Project 30x 0.03826; TOPMed 0.05930; gnomAD exomes 0.06151; ExAC 0.06372; gnomAD 0.06543 and 0.06724; ESP Exome Variant Server 0.07212.
gnomAD v4.1: 131,734 of 1,614,094 alleles (8.2%); highest among the groups gnomAD compares: Non-Finnish European, 9.5%; 6,061 homozygotes.

Submissions (7):

Labcorp Genetics (formerly Invitae), Labcorp
Classification: Benign for Developmental and epileptic encephalopathy, 25. Last evaluated: 2026-02-03. Review status: criteria provided, single submitter. Criteria: Invitae Variant Classification Sherloc (09022015). Collection method: clinical testing. Allele origin: germline.

Genome-Nilou Lab
Classification: Benign for Developmental and epileptic encephalopathy, 25. Last evaluated: 2021-07-15. Review status: criteria provided, single submitter. Criteria: ACMG Guidelines, 2015. Collection method: clinical testing. Allele origin: germline. Affected: no.

Mayo Clinic Laboratories, Mayo Clinic
Classification: Benign. Last evaluated: 2018-04-02. Review status: criteria provided, single submitter. Criteria: ACMG Guidelines, 2015. Collection method: clinical testing. Allele origin: germline. Observed: 59 variant alleles.

Athena Diagnostics
Classification: Benign. Last evaluated: 2017-04-20. Review status: criteria provided, single submitter. Criteria: Athena Diagnostics Criteria. Collection method: clinical testing. Allele origin: germline.

Ambry Genetics
Classification: Benign for Inborn genetic diseases. Last evaluated: 2016-04-11. Review status: criteria provided, single submitter. Criteria: Ambry Variant Classification Scheme 2023. Collection method: clinical testing. Allele origin: germline.

GeneDx
Classification: Benign. Last evaluated: 2016-01-12. Review status: criteria provided, single submitter. Criteria: GeneDx Variant Classification (06012015). Collection method: clinical testing. Allele origin: germline. Affected: yes.
Comment: This variant is considered likely benign or benign based on one or more of the following criteria: it is a conservative change, it occurs at a poorly conserved position in the protein, it is predicted to be benign by multiple in silico algorithms, and/or has population frequency not consistent with disease.

Breakthrough Genomics
Classification: Benign. Review status: criteria provided, single submitter. Criteria: ACMG Guidelines, 2015. Collection method: not provided. Allele origin: germline. Inheritance: Autosomal recessive inheritance. Affected: yes.

NM_177550.5(SLC13A5):c.1005C>T (p.Pro335=)

Gene: SLC13A5 (solute carrier family 13 member 5; minus strand). Cytogenetic location: 17p13.1.
Variant type: single nucleotide variant.
Coding change: c.1005C>T on transcript NM_177550.5 (MANE Select); coding-DNA position 1005, C replaced by T.
Protein change: p.Pro335=; no amino-acid change (proline 335 retained).
Molecular consequence: synonymous variant.
Genome position (GRCh38, 1-based): chr17:6,695,776, G>A on the plus strand (C>T on the coding strand, the complement: SLC13A5 is on the minus strand). VCF-style: chr17-6695776-G-A. GRCh37 (hg19) VCF-style: chr17-6599095-G-A.
Other names: p.Pro335=; c.1005C>T, p.Pro335= (NM_001143838.3); c.954C>T, p.Pro318= (NM_001284509.2); c.876C>T, p.Pro292= (NM_001284510.2).
Identifiers: ClinVar variation 380899 (VCV000380899.19), dbSNP rs56224509, ClinGen allele CA8331556.